The following is an entry in ClinVar:

NM_006005.3(WFS1):c.568A>C (p.Lys190Gln)

Gene: WFS1 (wolframin ER transmembrane glycoprotein; plus strand). Cytogenetic location: 4p16.1.
Variant type: single nucleotide variant.
Coding change: c.568A>C on transcript NM_006005.3 (MANE Select); coding-DNA position 568, A replaced by C.
Protein change: p.Lys190Gln; replaces lysine 190 with glutamine.
Molecular consequence: missense variant.
Genome position (GRCh38, 1-based): chr4:6,291,304, A>C. VCF-style: chr4-6291304-A-C. GRCh37 (hg19) VCF-style: chr4-6293031-A-C.
Other names: c.568A>C, p.Lys190Gln (NM_001145853.1); short protein forms K190Q.
Identifiers: ClinVar variation 2163079 (VCV002163079.4), dbSNP rs558699525, ClinGen allele CA2838939.

ClinVar aggregate classification (germline): Uncertain significance (1 of 4 stars; one submission).

Allele frequency attached by ClinVar (database versions not stated): TOPMed below 0.00001; ExAC 0.00001; gnomAD exomes 0.00001.
gnomAD v4.1: 4 of 1,613,222 alleles (0.00025%); highest among the groups gnomAD compares: Admixed American, 0.0067%; no homozygotes.

Submission:

Labcorp Genetics (formerly Invitae), Labcorp
Classification: Uncertain significance. Last evaluated: 2023-04-24. Review status: criteria provided, single submitter. Criteria: Invitae Variant Classification Sherloc (09022015). Collection method: clinical testing. Allele origin: germline.
Comment: In summary, the available evidence is currently insufficient to determine the role of this variant in disease. Therefore, it has been classified as a Variant of Uncertain Significance. Advanced modeling of protein sequence and biophysical properties (such as structural, functional, and spatial information, amino acid conservation, physicochemical variation, residue mobility, and thermodynamic stability) performed at Invitae indicates that this missense variant is not expected to disrupt WFS1 protein function. ClinVar contains an entry for this variant (Variation ID: 2163079). This variant has not been reported in the literature in individuals affected with WFS1-related conditions. This variant is present in population databases (rs558699525, gnomAD 0.009%). This sequence change replaces lysine, which is basic and polar, with glutamine, which is neutral and polar, at codon 190 of the WFS1 protein (p.Lys190Gln).